The following is an entry in ClinVar:

NM_001350814.2(GRB10):c.354C>T (p.Leu118=)

Gene: GRB10 (growth factor receptor bound protein 10; minus strand). Cytogenetic location: 7p12.1.
Variant type: single nucleotide variant.
Coding change: c.354C>T on transcript NM_001350814.2 (MANE Select); coding-DNA position 354, C replaced by T.
Protein change: p.Leu118=; no amino-acid change (leucine 118 retained).
Molecular consequence: synonymous variant.
Genome position (GRCh38, 1-based): chr7:50,674,444, G>A on the plus strand (C>T on the coding strand, the complement: GRB10 is on the minus strand). VCF-style: chr7-50674444-G-A. GRCh37 (hg19) VCF-style: chr7-50742141-G-A.
Other names: c.354C>T, p.Leu118= (NM_001001549.3); c.180C>T, p.Leu60= (NM_001001550.3, NM_001001555.3, NM_001350816.3 and 1 more transcripts); c.468C>T, p.Leu156= (NM_001350815.2); c.501C>T, p.Leu167= (NM_001371009.1).
Identifiers: ClinVar variation 3035400 (VCV003035400.2), dbSNP rs752056748, ClinGen allele CA4262982.

ClinVar aggregate classification (germline): Likely benign (0 of 4 stars; one submission).

Conditions:
GRB10-related disorder. Also called: GRB10-related condition.

Allele frequency attached by ClinVar (database versions not stated): ExAC 0.00003; TOPMed 0.00004; gnomAD 0.00005; gnomAD exomes 0.00022.
gnomAD v4.1: 316 of 1,604,524 alleles (0.02%); highest among the groups gnomAD compares: Non-Finnish European, 0.025%; 1 homozygote.

Submission:

PreventionGenetics, part of Exact Sciences
Classification: Likely benign for GRB10-related condition. Last evaluated: 2019-07-25. Review status: no assertion criteria provided. Collection method: clinical testing. Allele origin: germline.
Comment: This variant is classified as likely benign based on ACMG/AMP sequence variant interpretation guidelines (Richards et al. 2015 PMID: 25741868, with internal and published modifications).